The following is an entry in ClinVar:

ClinVar aggregate classification (germline): Likely benign. Review status: criteria provided, multiple submitters, no conflicts (2 of 4 stars). 3 submissions from 3 submitters: Likely benign (3). Last evaluated 2024-12-01.

Allele frequency attached by ClinVar (database versions not stated): 1000 Genomes Project 30x 0.00172; 1000 Genomes Project 0.00220; ExAC 0.00287; TOPMed 0.00295; gnomAD exomes 0.00417 and 0.00517; gnomAD 0.00440 and 0.00452; ESP Exome Variant Server 0.00548.

Submissions (3):

CeGaT Center for Human Genetics Tuebingen
Classification: Likely benign. Last evaluated: 2024-12-01. Review status: criteria provided, single submitter. Criteria: CeGaT Center For Human Genetics Tuebingen Variant Classification Criteria Version 2. Collection method: clinical testing. Allele origin: germline. Affected: yes. Observed: 4 variant alleles.
Comment: MEG8: BS2; RTL1: BP4, BS2

Labcorp Genetics (formerly Invitae), Labcorp
Classification: Likely benign. Last evaluated: 2019-12-31. Review status: criteria provided, single submitter. Criteria: Invitae Variant Classification Sherloc (09022015). Collection method: clinical testing. Allele origin: germline.

Breakthrough Genomics
Classification: Likely benign. Review status: criteria provided, single submitter. Criteria: ACMG Guidelines, 2015. Collection method: not provided. Allele origin: germline. Inheritance: Unknown mechanism. Affected: yes.

NM_001134888.3(RTL1):c.1195G>A (p.Glu399Lys)

Gene: RTL1 (retrotransposon Gag like 1; minus strand). Cytogenetic location: 14q32.2.
Variant type: single nucleotide variant.
Coding change: c.1195G>A on transcript NM_001134888.3 (MANE Select); coding-DNA position 1195, G replaced by A.
Protein change: p.Glu399Lys; replaces glutamic acid 399 with lysine.
Molecular consequence: missense variant.
Genome position (GRCh38, 1-based): chr14:100,883,594, C>T on the plus strand (G>A on the coding strand, the complement: RTL1 is on the minus strand). VCF-style: chr14-100883594-C-T. GRCh37 (hg19) VCF-style: chr14-101349931-C-T.
Other names: short protein forms E399K.
Identifiers: ClinVar variation 718356 (VCV000718356.29), dbSNP rs142029300, ClinGen allele CA7347336.